The following is an entry in ClinVar:

ClinVar aggregate classification (germline): Likely benign (1 of 4 stars; one submission).

Conditions:
ADCY3-related disorder. Also called: ADCY3-related condition.

gnomAD v4.1: 8 of 1,605,490 alleles (0.0005%); highest among the groups gnomAD compares: African/African-American, 0.0067%; no homozygotes.

Submission:

PreventionGenetics, part of Exact Sciences
Classification: Likely benign for ADCY3-related condition. Last evaluated: 2025-03-13. Review status: criteria provided, single submitter. Criteria: ACMG Guidelines, 2015. Collection method: clinical testing. Allele origin: germline.
Comment: This variant is classified as likely benign based on ACMG/AMP sequence variant interpretation guidelines (Richards et al. 2015 PMID: 25741868, with internal and published modifications).

NM_004036.5(ADCY3):c.1197-3C>T

Gene: ADCY3 (adenylate cyclase 3; minus strand). Cytogenetic location: 2p23.3.
Variant type: single nucleotide variant.
Coding change: c.1197-3C>T on transcript NM_004036.5 (MANE Select); 3 bases into the intron before coding-DNA position 1197, C replaced by T.
Molecular consequence: intron variant.
Genome position (GRCh38, 1-based): chr2:24,840,034, G>A on the plus strand (C>T on the coding strand, the complement: ADCY3 is on the minus strand). VCF-style: chr2-24840034-G-A. GRCh37 (hg19) VCF-style: chr2-25062903-G-A.
Other names: c.1197-3C>T (NM_001377130.1, NM_001377129.1, NM_001320613.2 and 2 more transcripts); c.474-3C>T (NM_001377131.1).
Identifiers: ClinVar variation 4991868 (VCV004991868.1).